The following is an entry in ClinVar:

ClinVar aggregate classification (germline): Uncertain significance. Review status: criteria provided, multiple submitters, no conflicts (2 of 4 stars). 2 submissions from 2 submitters: Uncertain significance (2). Last evaluated 2025-10-07.

Conditions:
Inborn genetic diseases. Identifiers: MedGen C0950123, MeSH D030342.

Allele frequency attached by ClinVar (database versions not stated): gnomAD exomes below 0.00001 and 0.00002; ESP Exome Variant Server 0.00017; TOPMed 0.00008; ExAC 0.00002; gnomAD 0.00009 and 0.00011.
gnomAD v4.1: 18 of 1,600,316 alleles (0.0011%); highest among the groups gnomAD compares: African/African-American, 0.02%; no homozygotes.

Submissions (2):

Ambry Genetics
Classification: Uncertain significance for Inborn genetic diseases. Last evaluated: 2025-10-07. Review status: criteria provided, single submitter. Criteria: Ambry Variant Classification Scheme 2023. Collection method: clinical testing. Allele origin: germline.

Labcorp Genetics (formerly Invitae), Labcorp
Classification: Uncertain significance. Last evaluated: 2022-04-07. Review status: criteria provided, single submitter. Criteria: Invitae Variant Classification Sherloc (09022015). Collection method: clinical testing. Allele origin: germline.
Comment: This sequence change replaces lysine, which is basic and polar, with arginine, which is basic and polar, at codon 530 of the IFT74 protein (p.Lys530Arg). This variant is present in population databases (rs375621987, gnomAD 0.03%). This variant has not been reported in the literature in individuals affected with IFT74-related conditions. Algorithms developed to predict the effect of missense changes on protein structure and function (SIFT, PolyPhen-2, Align-GVGD) all suggest that this variant is likely to be tolerated. In summary, the available evidence is currently insufficient to determine the role of this variant in disease. Therefore, it has been classified as a Variant of Uncertain Significance.

NM_025103.4(IFT74):c.1589A>G (p.Lys530Arg)

Gene: IFT74 (intraflagellar transport 74; plus strand). Cytogenetic location: 9p21.2.
Variant type: single nucleotide variant.
Coding change: c.1589A>G on transcript NM_025103.4 (MANE Select); coding-DNA position 1589, A replaced by G.
Protein change: p.Lys530Arg; replaces lysine 530 with arginine.
Molecular consequence: missense variant.
Genome position (GRCh38, 1-based): chr9:27,056,425, A>G. VCF-style: chr9-27056425-A-G. GRCh37 (hg19) VCF-style: chr9-27056423-A-G.
Other names: c.1589A>G, p.Lys530Arg (NM_001099222.3, NM_001099223.3, NM_001349928.2); c.1589A>G (NM_001099222.1); short protein forms K530R.
Identifiers: ClinVar variation 1524548 (VCV001524548.5), dbSNP rs375621987, ClinGen allele CA5015708.